The following is an entry in ClinVar:

NM_004408.4(DNM1):c.1350G>T (p.Pro450=)

Gene: DNM1 (dynamin 1; plus strand). Cytogenetic location: 9q34.11.
Variant type: single nucleotide variant.
Coding change: c.1350G>T on transcript NM_004408.4 (MANE Select); coding-DNA position 1350, G replaced by T.
Protein change: p.Pro450=; no amino-acid change (proline 450 retained).
Molecular consequence: synonymous variant.
Genome position (GRCh38, 1-based): chr9:128,234,035, G>T. VCF-style: chr9-128234035-G-T. GRCh37 (hg19) VCF-style: chr9-130996314-G-T.
Other names: c.1350G>T, p.Pro450= (NM_001005336.3, NM_001288737.2, NM_001288738.2 and 1 more transcripts).
Identifiers: ClinVar variation 425463 (VCV000425463.55), dbSNP rs147897973, ClinGen allele CA5258132.

ClinVar aggregate classification (germline): Likely benign. Review status: criteria provided, multiple submitters, no conflicts (2 of 4 stars). 4 submissions from 4 submitters: Likely benign (4). Last evaluated 2026-01-01.

Conditions:
Developmental and epileptic encephalopathy, 31A. Also called: Epileptic encephalopathy, early infantile, 31; Developmental and epileptic encephalopathy, 31. Identifiers: Orphanet 2382, MedGen C4225357, MONDO:0014598, OMIM 616346.

Allele frequency attached by ClinVar (database versions not stated): gnomAD 0.00006; TOPMed 0.00006; ESP Exome Variant Server 0.00008; 1000 Genomes Project 30x 0.00016.
gnomAD v4.1: 127 of 1,571,618 alleles (0.0081%); highest among the groups gnomAD compares: Non-Finnish European, 0.011%; 1 homozygote.

Submissions (4):

CeGaT Center for Human Genetics Tuebingen
Classification: Likely benign. Last evaluated: 2026-01-01. Review status: criteria provided, single submitter. Criteria: CeGaT Center For Human Genetics Tuebingen Variant Classification Criteria Version 2. Collection method: clinical testing. Allele origin: germline. Affected: yes. Observed: 3 variant alleles.
Comment: DNM1: BP4, BP7

Labcorp Genetics (formerly Invitae), Labcorp
Classification: Likely benign for Developmental and epileptic encephalopathy, 31A. Last evaluated: 2025-10-23. Review status: criteria provided, single submitter. Criteria: Invitae Variant Classification Sherloc (09022015). Collection method: clinical testing. Allele origin: germline.

Blueprint Genetics
Classification: Likely benign. Last evaluated: 2024-09-02. Review status: criteria provided, single submitter. Criteria: ACMG Guidelines, 2015. Collection method: clinical testing. Allele origin: germline.

GeneDx
Classification: Likely benign. Last evaluated: 2021-02-03. Review status: criteria provided, single submitter. Criteria: GeneDx Variant Classification Process June 2021. Collection method: clinical testing. Allele origin: germline. Affected: yes.